The following is an entry in ClinVar:

NM_172250.3(MMAA):c.636delinsAGG (p.Thr213fs)

Gene: MMAA (metabolism of cobalamin associated A; plus strand). Cytogenetic location: 4q31.21.
Variant type: Indel.
Coding change: c.636delinsAGG on transcript NM_172250.3 (MANE Select); coding-DNA position 636, T replaced by AGG.
Protein change: p.Thr213fs; shifts the reading frame from threonine 213.
Molecular consequence: frameshift variant.
Genome position (GRCh38, 1-based): chr4:145,646,059, T replaced by AGG. VCF-style: chr4-145646059-T-AGG. GRCh37 (hg19) VCF-style: chr4-146567211-T-AGG.
Other names: c.636delinsAGG, p.Thr213fs (NM_001375644.1); short protein forms T213fs.
Identifiers: ClinVar variation 1723971 (VCV001723971.2), dbSNP rs2546339507, ClinGen allele CA2580071579.

ClinVar aggregate classification (germline): Likely pathogenic (1 of 4 stars; one submission).

Conditions:
Methylmalonic aciduria, cblA type (MACA). Also called: Methylmalonic aciduria, vitamin b12-responsive, due to defect in synthesis of adenosylcobalamin, cbla complementation type; MMA cbl A type; Methylmalonic acidemia cblA type; Methylmalonic aciduria, vitamin B12-responsive; Vitamin B12-responsive methylmalonic acidemia type cblA. Identifiers: Orphanet 28, Orphanet 79310, MedGen C1855109, MONDO:0009613, OMIM 251100.

Submission:

Myriad Genetics, Inc.
Classification: Likely pathogenic for Methylmalonic aciduria, cblA type. Last evaluated: 2022-01-17. Review status: criteria provided, single submitter. Criteria: Myriad Women's Health Autosomal Recessive and X-Linked Classification Criteria (2021). Collection method: clinical testing. Allele origin: unknown.
Comment: NM_172250.2(MMAA):c.636delTinsAGG(T213Gfs*6) is expected to be pathogenic in the context of methylmalonic acidemia, cblA type. This variant is predicted to lead to an abnormal or absent protein product due to the creation of a premature termination codon in MMAA, a gene where loss-of-function variants are known to be pathogenic. Please note: this variant was assessed in the context of healthy population screening.